The following is an entry in ClinVar:

ClinVar aggregate classification (germline): Uncertain significance (1 of 4 stars; one submission).

Allele frequency attached by ClinVar (database versions not stated): gnomAD exomes below 0.00001.
gnomAD v4.1: 1 of 1,613,192 alleles (0.000062%); highest among the groups gnomAD compares: Non-Finnish European, 0.000085%; no homozygotes.

Submission:

Labcorp Genetics (formerly Invitae), Labcorp
Classification: Uncertain significance. Last evaluated: 2022-12-31. Review status: criteria provided, single submitter. Criteria: Invitae Variant Classification Sherloc (09022015). Collection method: clinical testing. Allele origin: germline.
Comment: This sequence change replaces cysteine, which is neutral and slightly polar, with tyrosine, which is neutral and polar, at codon 981 of the ITPR1 protein (p.Cys981Tyr). This variant is not present in population databases (gnomAD no frequency). This variant has not been reported in the literature in individuals affected with ITPR1-related conditions. ClinVar contains an entry for this variant (Variation ID: 1719664). Advanced modeling of protein sequence and biophysical properties (such as structural, functional, and spatial information, amino acid conservation, physicochemical variation, residue mobility, and thermodynamic stability) performed at Invitae indicates that this missense variant is not expected to disrupt ITPR1 protein function. In summary, the available evidence is currently insufficient to determine the role of this variant in disease. Therefore, it has been classified as a Variant of Uncertain Significance.

NM_001378452.1(ITPR1):c.3014G>A (p.Cys1005Tyr)

Gene: ITPR1 (inositol 1,4,5-trisphosphate receptor type 1; plus strand). Cytogenetic location: 3p26.1.
Variant type: single nucleotide variant.
Coding change: c.3014G>A on transcript NM_001378452.1 (MANE Select); coding-DNA position 3014, G replaced by A.
Protein change: p.Cys1005Tyr; replaces cysteine 1005 with tyrosine.
Molecular consequence: missense variant.
Genome position (GRCh38, 1-based): chr3:4,680,599, G>A. VCF-style: chr3-4680599-G-A. GRCh37 (hg19) VCF-style: chr3-4722283-G-A.
Other names: c.2987G>A, p.Cys996Tyr (NM_001099952.4); c.2969G>A, p.Cys990Tyr (NM_001168272.2); c.2942G>A, p.Cys981Tyr (NM_002222.7); short protein forms C1005Y, C981Y, C990Y, C996Y.
Identifiers: ClinVar variation 1719664 (VCV001719664.5), dbSNP rs2469785328, ClinGen allele CA351650127.